The following is an entry in ClinVar:

NM_006904.7(PRKDC):c.2485G>A (p.Val829Met)

Gene: PRKDC (protein kinase, DNA-activated, catalytic subunit; minus strand). Cytogenetic location: 8q11.21.
Variant type: single nucleotide variant.
Coding change: c.2485G>A on transcript NM_006904.7 (MANE Select); coding-DNA position 2485, G replaced by A.
Protein change: p.Val829Met; replaces valine 829 with methionine.
Molecular consequence: missense variant.
Genome position (GRCh38, 1-based): chr8:47,918,318, C>T on the plus strand (G>A on the coding strand, the complement: PRKDC is on the minus strand). VCF-style: chr8-47918318-C-T. GRCh37 (hg19) VCF-style: chr8-48830878-C-T.
Other names: c.2485G>A, p.Val829Met (NM_001081640.2); short protein forms V829M.
Identifiers: ClinVar variation 1791982 (VCV001791982.2), dbSNP rs2551877352, ClinGen allele CA371160393.

ClinVar aggregate classification (germline): Uncertain significance (1 of 4 stars; one submission).

Submission:

Ambry Genetics
Classification: Uncertain significance. Last evaluated: 2022-01-13. Review status: criteria provided, single submitter. Criteria: Ambry Variant Classification Scheme 2023. Collection method: clinical testing. Allele origin: germline.
Comment: The p.V829M variant (also known as c.2485G>A), located in coding exon 22 of the PRKDC gene, results from a G to A substitution at nucleotide position 2485. The valine at codon 829 is replaced by methionine, an amino acid with highly similar properties. This amino acid position is conserved. In addition, this alteration is predicted to be tolerated by in silico analysis. Since supporting evidence is limited at this time, the clinical significance of this alteration remains unclear.